The following is an entry in ClinVar:

ClinVar aggregate classification (germline): Uncertain significance (1 of 4 stars; one submission).

Conditions:
Aicardi-Goutieres syndrome 4. Identifiers: Orphanet 51, MedGen C1835912, MONDO:0012472, OMIM 610333.

Allele frequency attached by ClinVar (database versions not stated): gnomAD exomes below 0.00001; TOPMed below 0.00001.

Submission:

Labcorp Genetics (formerly Invitae), Labcorp
Classification: Uncertain significance for Aicardi-Goutieres syndrome 4. Last evaluated: 2021-08-24. Review status: criteria provided, single submitter. Criteria: Invitae Variant Classification Sherloc (09022015). Collection method: clinical testing. Allele origin: germline.
Comment: This sequence change replaces tyrosine with cysteine at codon 172 of the RNASEH2A protein (p.Tyr172Cys). The tyrosine residue is weakly conserved and there is a large physicochemical difference between tyrosine and cysteine. This variant is not present in population databases (ExAC no frequency). This variant has not been reported in the literature in individuals affected with RNASEH2A-related conditions. Algorithms developed to predict the effect of missense changes on protein structure and function (SIFT, PolyPhen-2, Align-GVGD) all suggest that this variant is likely to be disruptive. In summary, the available evidence is currently insufficient to determine the role of this variant in disease. Therefore, it has been classified as a Variant of Uncertain Significance.

NM_006397.3(RNASEH2A):c.515A>G (p.Tyr172Cys)

Gene: RNASEH2A (ribonuclease H2 subunit A; plus strand). Cytogenetic location: 19p13.13.
Variant type: single nucleotide variant.
Coding change: c.515A>G on transcript NM_006397.3 (MANE Select); coding-DNA position 515, A replaced by G.
Protein change: p.Tyr172Cys; replaces tyrosine 172 with cysteine.
Molecular consequence: missense variant.
Genome position (GRCh38, 1-based): chr19:12,810,174, A>G. VCF-style: chr19-12810174-A-G. GRCh37 (hg19) VCF-style: chr19-12920988-A-G.
Other names: short protein forms Y172C.
Identifiers: ClinVar variation 935168 (VCV000935168.7), dbSNP rs1262482666, ClinGen allele CA404267019.